The following is an entry in ClinVar:

NM_000395.3(CSF2RB):c.2017G>A (p.Gly673Ser)

Gene: CSF2RB (colony stimulating factor 2 receptor subunit beta; plus strand). Cytogenetic location: 22q12.3.
Variant type: single nucleotide variant.
Coding change: c.2017G>A on transcript NM_000395.3 (MANE Select); coding-DNA position 2017, G replaced by A.
Protein change: p.Gly673Ser; replaces glycine 673 with serine.
Molecular consequence: missense variant.
Genome position (GRCh38, 1-based): chr22:36,937,825, G>A. VCF-style: chr22-36937825-G-A. GRCh37 (hg19) VCF-style: chr22-37333867-G-A.
Other names: c.2035G>A, p.Gly679Ser (NM_001410827.1); short protein forms G679S, G673S.
Identifiers: ClinVar variation 3663193 (VCV003663193.2).

ClinVar aggregate classification (germline): Uncertain significance (1 of 4 stars; one submission).

Submission:

Labcorp Genetics (formerly Invitae), Labcorp
Classification: Uncertain significance. Last evaluated: 2026-01-05. Review status: criteria provided, single submitter. Criteria: Invitae Variant Classification Sherloc (09022015). Collection method: clinical testing. Allele origin: germline.
Comment: This sequence change replaces glycine, which is neutral and non-polar, with serine, which is neutral and polar, at codon 673 of the CSF2RB protein (p.Gly673Ser). This variant is not present in population databases (gnomAD no frequency). This variant has not been reported in the literature in individuals affected with CSF2RB-related conditions. ClinVar contains an entry for this variant (Variation ID: 3663193). Invitae Evidence Modeling of protein sequence and biophysical properties (such as structural, functional, and spatial information, amino acid conservation, physicochemical variation, residue mobility, and thermodynamic stability) indicates that this missense variant is not expected to disrupt CSF2RB protein function with a negative predictive value of 80%. In summary, the available evidence is currently insufficient to determine the role of this variant in disease. Therefore, it has been classified as a Variant of Uncertain Significance.